The following is an entry in ClinVar:

ClinVar aggregate classification (germline): Likely benign. Review status: criteria provided, multiple submitters, no conflicts (2 of 4 stars). 2 submissions from 2 submitters: Likely benign (2). Last evaluated 2024-02-25.

Conditions:
Maple syrup urine disease (MSUD). Identifiers: Orphanet 511, MedGen C0024776, MeSH D008375, MONDO:0009563. Disease mechanism: loss of function.

Allele frequency attached by ClinVar (database versions not stated): gnomAD exomes 0.00001.
gnomAD v4.1: 14 of 1,612,438 alleles (0.00087%); highest among the groups gnomAD compares: Middle Eastern, 0.033%; no homozygotes.

Submissions (2):

Labcorp Genetics (formerly Invitae), Labcorp
Classification: Likely benign for Maple syrup urine disease. Last evaluated: 2024-02-25. Review status: criteria provided, single submitter. Criteria: Invitae Variant Classification Sherloc (09022015). Collection method: clinical testing. Allele origin: germline.

CeGaT Center for Human Genetics Tuebingen
Classification: Likely benign. Last evaluated: 2023-11-01. Review status: criteria provided, single submitter. Criteria: CeGaT Center For Human Genetics Tuebingen Variant Classification Criteria Version 2. Collection method: clinical testing. Allele origin: germline. Affected: yes. Observed: 1 variant allele.
Comment: BCKDHB: BP4, BP7

NM_183050.4(BCKDHB):c.861A>G (p.Val287=)

Gene: BCKDHB (branched chain keto acid dehydrogenase E1 subunit beta; plus strand). Cytogenetic location: 6q14.1.
Variant type: single nucleotide variant.
Coding change: c.861A>G on transcript NM_183050.4 (MANE Select); coding-DNA position 861, A replaced by G.
Protein change: p.Val287=; no amino-acid change (valine 287 retained).
Molecular consequence: synonymous variant. On other transcripts: non-coding transcript variant (1).
Genome position (GRCh38, 1-based): chr6:80,203,122, A>G. VCF-style: chr6-80203122-A-G. GRCh37 (hg19) VCF-style: chr6-80912839-A-G.
Other names: c.861A>G, p.Val287= (NM_000056.5); c.651A>G, p.Val217= (NM_001318975.1).
Identifiers: ClinVar variation 1138004 (VCV001138004.31), dbSNP rs1358699136, ClinGen allele CA451073172.